The following is an entry in ClinVar:

ClinVar aggregate classification (germline): Uncertain significance. Review status: criteria provided, multiple submitters, no conflicts (2 of 4 stars). 2 submissions from 2 submitters: Uncertain significance (2). Last evaluated 2025-11-14.

Conditions:
Hereditary cancer-predisposing syndrome. Also called: Neoplastic Syndromes, Hereditary; Hereditary Cancer Syndrome; Hereditary neoplastic syndrome; Tumor predisposition. Identifiers: Orphanet 140162, MedGen C0027672, MeSH D009386, MONDO:0015356.

Allele frequency attached by ClinVar (database versions not stated): gnomAD exomes below 0.00001.
gnomAD v4.1: 1 of 1,613,820 alleles (0.000062%); highest among the groups gnomAD compares: African/African-American, 0.0013%; no homozygotes.

Submissions (2):

Ambry Genetics
Classification: Uncertain significance for Hereditary cancer-predisposing syndrome. Last evaluated: 2025-11-14. Review status: criteria provided, single submitter. Criteria: Ambry Variant Classification Scheme 2023. Collection method: clinical testing. Allele origin: germline.
Comment: The p.I173S variant (also known as c.518T>G), located in coding exon 3 of the FLCN gene, results from a T to G substitution at nucleotide position 518. The isoleucine at codon 173 is replaced by serine, an amino acid with dissimilar properties. This amino acid position is conserved. In addition, this alteration is predicted to be deleterious by in silico analysis. Since supporting evidence is limited at this time, the clinical significance of this alteration remains unclear.

Quest Diagnostics Nichols Institute San Juan Capistrano
Classification: Uncertain significance. Last evaluated: 2025-08-29. Review status: criteria provided, single submitter. Criteria: Quest Diagnostics criteria. Collection method: clinical testing. Allele origin: unknown.
Comment: The FLCN c.518T>G (p.Ile173Ser) variant has not been reported in individuals with FLCN-related conditions in the published literature. This variant has not been reported in large, multi-ethnic general populations (Genome Aggregation Database). Analysis of this variant using bioinformatics tools for the prediction of the effect of amino acid changes on protein structure and function yielded predictions that this variant is damaging. Based on the available information, we are unable to determine the clinical significance of this variant.

NM_144997.7(FLCN):c.518T>G (p.Ile173Ser)

Gene: FLCN (folliculin; minus strand). Cytogenetic location: 17p11.2.
Variant type: single nucleotide variant.
Coding change: c.518T>G on transcript NM_144997.7 (MANE Select); coding-DNA position 518, T replaced by G.
Protein change: p.Ile173Ser; replaces isoleucine 173 with serine.
Molecular consequence: missense variant.
Genome position (GRCh38, 1-based): chr17:17,224,022, A>C on the plus strand (T>G on the coding strand, the complement: FLCN is on the minus strand). VCF-style: chr17-17224022-A-C. GRCh37 (hg19) VCF-style: chr17-17127336-A-C.
Other names: c.572T>G, p.Ile191Ser (NM_001353229.2); c.518T>G, p.Ile173Ser (NM_001353230.2, NM_001353231.2, NM_144606.7); c.518T>G (NM_144997.6); short protein forms I173S, I191S.
Identifiers: ClinVar variation 2566325 (VCV002566325.4), dbSNP rs2144976694, ClinGen allele CA398534378.
Genomic context (GRCh38, chr17:17,224,022, plus strand): 5'-ACCTTCCCCAGCAGGAAGGGCCAGGAGTTGATGAGGTAGATCCGGTCCATCATGATGGTG[A>C]TGATGCTGTACCAGCGCTGGAAGCCCCTGGCCAGGCTGTCCTTGATGAAGAAGGTGTGGC-3'
Protein context (NP_659434.2, residues 163-183): ARGFQRWYSI[Ile173Ser]TIMMDRIYLI